The following is an entry in ClinVar:

NM_006231.4(POLE):c.6536G>C (p.Gly2179Ala)

Gene: POLE (DNA polymerase epsilon, catalytic subunit; minus strand). Cytogenetic location: 12q24.33.
Variant type: single nucleotide variant.
Coding change: c.6536G>C on transcript NM_006231.4 (MANE Select); coding-DNA position 6536, G replaced by C.
Protein change: p.Gly2179Ala; replaces glycine 2179 with alanine.
Molecular consequence: missense variant.
Genome position (GRCh38, 1-based): chr12:132,625,766, C>G on the plus strand (G>C on the coding strand, the complement: POLE is on the minus strand). VCF-style: chr12-132625766-C-G. GRCh37 (hg19) VCF-style: chr12-133202352-C-G.
Other names: short protein forms G2179A.
Identifiers: ClinVar variation 1754085 (VCV001754085.2), dbSNP rs775303473, ClinGen allele CA6892135.

ClinVar aggregate classification (germline): Uncertain significance (1 of 4 stars; one submission).

Conditions:
Hereditary cancer-predisposing syndrome. Also called: Neoplastic Syndromes, Hereditary; Tumor predisposition; Hereditary Cancer Syndrome; Hereditary neoplastic syndrome. Identifiers: Orphanet 140162, MedGen C0027672, MeSH D009386, MONDO:0015356.

Allele frequency attached by ClinVar (database versions not stated): ExAC 0.00002; gnomAD exomes 0.00002.
gnomAD v4.1: 9 of 1,610,420 alleles (0.00056%); highest among the groups gnomAD compares: Non-Finnish European, 0.00076%; no homozygotes.

Submission:

Ambry Genetics
Classification: Uncertain significance for Hereditary cancer-predisposing syndrome. Last evaluated: 2022-07-07. Review status: criteria provided, single submitter. Criteria: Ambry Variant Classification Scheme 2023. Collection method: clinical testing. Allele origin: germline.
Comment: The p.G2179A variant (also known as c.6536G>C), located in coding exon 47 of the POLE gene, results from a G to C substitution at nucleotide position 6536. The glycine at codon 2179 is replaced by alanine, an amino acid with similar properties. This amino acid position is conserved. In addition, this alteration is predicted to be tolerated by in silico analysis. Since supporting evidence is limited at this time, the clinical significance of this alteration remains unclear.